The following is an entry in ClinVar:

NM_020778.5(ALPK3):c.1307C>A (p.Thr436Asn)

Gene: ALPK3 (alpha kinase 3; plus strand). Cytogenetic location: 15q25.3.
Variant type: single nucleotide variant.
Coding change: c.1307C>A on transcript NM_020778.5 (MANE Select); coding-DNA position 1307, C replaced by A.
Protein change: p.Thr436Asn; replaces threonine 436 with asparagine.
Molecular consequence: missense variant.
Genome position (GRCh38, 1-based): chr15:84,840,586, C>A. VCF-style: chr15-84840586-C-A. GRCh37 (hg19) VCF-style: chr15-85383817-C-A.
Other names: short protein forms T436N.
Identifiers: ClinVar variation 1782530 (VCV001782530.2), dbSNP rs1458703934, ClinGen allele CA393375348.

ClinVar aggregate classification (germline): Uncertain significance (1 of 4 stars; one submission).

Conditions:
Cardiovascular phenotype. Identifiers: MedGen CN230736.

Submission:

Ambry Genetics
Classification: Uncertain significance for Cardiovascular phenotype. Last evaluated: 2022-03-19. Review status: criteria provided, single submitter. Criteria: Ambry Variant Classification Scheme 2023. Collection method: clinical testing. Allele origin: germline.
Comment: The p.T638N variant (also known as c.1913C>A), located in coding exon 5 of the ALPK3 gene, results from a C to A substitution at nucleotide position 1913. The threonine at codon 638 is replaced by asparagine, an amino acid with similar properties. This amino acid position is conserved. In addition, this alteration is predicted to be tolerated by in silico analysis. Since supporting evidence is limited at this time, the clinical significance of this alteration remains unclear.